The following is an entry in ClinVar:

ClinVar aggregate classification (germline): Uncertain significance. Review status: criteria provided, multiple submitters, no conflicts (2 of 4 stars). 2 submissions from 2 submitters: Uncertain significance (2). Last evaluated 2025-06-09.

Conditions:
Primary ciliary dyskinesia 6. Also called: Primary Ciliary Dyskinesia 6: TXNDC3-Related Primary Ciliary Dyskinesia. Identifiers: Orphanet 244, MedGen C1970506, MONDO:0012571, OMIM 610852.
Primary ciliary dyskinesia. Also called: Ciliary dyskinesia. Identifiers: Orphanet 244, MedGen C0008780, MONDO:0016575, HP:0012265.

Allele frequency attached by ClinVar (database versions not stated): TOPMed below 0.00001; gnomAD 0.00001; gnomAD exomes 0.00001; ExAC 0.00002.
gnomAD v4.1: 10 of 1,613,584 alleles (0.00062%); highest among the groups gnomAD compares: Non-Finnish European, 0.00076%; no homozygotes.

Submissions (2):

Labcorp Genetics (formerly Invitae), Labcorp
Classification: Uncertain significance for Primary ciliary dyskinesia 6. Last evaluated: 2025-06-09. Review status: criteria provided, single submitter. Criteria: Invitae Variant Classification Sherloc (09022015). Collection method: clinical testing. Allele origin: germline.
Comment: This sequence change replaces methionine, which is neutral and non-polar, with threonine, which is neutral and polar, at codon 519 of the NME8 protein (p.Met519Thr). This variant is present in population databases (rs765328516, gnomAD 0.0009%). This variant has not been reported in the literature in individuals affected with NME8-related conditions. ClinVar contains an entry for this variant (Variation ID: 1775167). Invitae Evidence Modeling of protein sequence and biophysical properties (such as structural, functional, and spatial information, amino acid conservation, physicochemical variation, residue mobility, and thermodynamic stability) indicates that this missense variant is not expected to disrupt NME8 protein function with a negative predictive value of 80%. In summary, the available evidence is currently insufficient to determine the role of this variant in disease. Therefore, it has been classified as a Variant of Uncertain Significance.

Ambry Genetics
Classification: Uncertain significance for Primary ciliary dyskinesia. Last evaluated: 2021-06-24. Review status: criteria provided, single submitter. Criteria: Ambry Variant Classification Scheme 2023. Collection method: clinical testing. Allele origin: germline.
Comment: The p.M519T variant (also known as c.1556T>C), located in coding exon 15 of the NME8 gene, results from a T to C substitution at nucleotide position 1556. The methionine at codon 519 is replaced by threonine, an amino acid with similar properties. This amino acid position is poorly conserved in available vertebrate species. In addition, this alteration is predicted to be tolerated by in silico analysis. Since supporting evidence is limited at this time, the clinical significance of this alteration remains unclear.

NM_016616.5(NME8):c.1556T>C (p.Met519Thr)

Gene: NME8 (NME/NM23 family member 8; plus strand). Cytogenetic location: 7p14.1.
Variant type: single nucleotide variant.
Coding change: c.1556T>C on transcript NM_016616.5 (MANE Select); coding-DNA position 1556, T replaced by C.
Protein change: p.Met519Thr; replaces methionine 519 with threonine.
Molecular consequence: missense variant.
Genome position (GRCh38, 1-based): chr7:37,896,881, T>C. VCF-style: chr7-37896881-T-C. GRCh37 (hg19) VCF-style: chr7-37936483-T-C.
Other names: short protein forms M519T.
Identifiers: ClinVar variation 1775167 (VCV001775167.3), dbSNP rs765328516, ClinGen allele CA4222571.
Genomic context (GRCh38, chr7:37,896,881, plus strand): 5'-TCAACAGTTTTCAGTAGGCTGGGTCTTCTGAAAGCACCGTTCTTTGCAGGGGTCCATCTA[T>C]GGTCATGATTCTGACCAAGTGGAATGCTGTTGCAGAATGGAGACGATTGATGGGCCCAAC-3'
Protein context (NP_057700.3, residues 509-529): LLEMLSVGPS[Met519Thr]VMILTKWNAV